The following is an entry in ClinVar:

ClinVar aggregate classification (germline): Uncertain significance (1 of 4 stars; one submission).

Conditions:
Short-rib thoracic dysplasia 10 with or without polydactyly (SRTD10). Identifiers: Orphanet 474, MedGen C3810175, MONDO:0014284, OMIM 615630.
Retinitis pigmentosa 71 (RP71). Identifiers: Orphanet 791, MedGen C4225342, MONDO:0014618, OMIM 616394.

Submission:

Labcorp Genetics (formerly Invitae), Labcorp
Classification: Uncertain significance for Retinitis pigmentosa 71; Short-rib thoracic dysplasia 10 with or without polydactyly. Last evaluated: 2023-08-04. Review status: criteria provided, single submitter. Criteria: Invitae Variant Classification Sherloc (09022015). Collection method: clinical testing. Allele origin: germline.
Comment: In summary, the available evidence is currently insufficient to determine the role of this variant in disease. Therefore, it has been classified as a Variant of Uncertain Significance. An algorithm developed to predict the effect of missense changes on protein structure and function (PolyPhen-2) suggests that this variant is likely to be disruptive. ClinVar contains an entry for this variant (Variation ID: 1474014). This sequence change replaces tyrosine, which is neutral and polar, with cysteine, which is neutral and slightly polar, at codon 62 of the IFT172 protein (p.Tyr62Cys). This variant is not present in population databases (gnomAD no frequency). This variant has not been reported in the literature in individuals affected with IFT172-related conditions.

NM_015662.3(IFT172):c.185A>G (p.Tyr62Cys)

Gene: IFT172 (intraflagellar transport 172; minus strand). Cytogenetic location: 2p23.3.
Variant type: single nucleotide variant.
Coding change: c.185A>G on transcript NM_015662.3 (MANE Select); coding-DNA position 185, A replaced by G.
Protein change: p.Tyr62Cys; replaces tyrosine 62 with cysteine.
Molecular consequence: missense variant.
Genome position (GRCh38, 1-based): chr2:27,485,129, T>C on the plus strand (A>G on the coding strand, the complement: IFT172 is on the minus strand). VCF-style: chr2-27485129-T-C. GRCh37 (hg19) VCF-style: chr2-27707996-T-C.
Other names: short protein forms Y62C.
Identifiers: ClinVar variation 1474014 (VCV001474014.6), dbSNP rs2148559384, ClinGen allele CA346402822.